The following is an entry in ClinVar:

ClinVar aggregate classification (germline): Uncertain significance (1 of 4 stars; one submission).

Conditions:
Nemaline myopathy 2 (NEM2). Also called: Nemaline myopathy 2, autosomal recessive. Identifiers: MedGen C1850569, MONDO:0009725, OMIM 256030.

Submission:

Labcorp Genetics (formerly Invitae), Labcorp
Classification: Uncertain significance for Nemaline myopathy 2. Last evaluated: 2022-10-04. Review status: criteria provided, single submitter. Criteria: Invitae Variant Classification Sherloc (09022015). Collection method: clinical testing. Allele origin: germline.
Comment: This sequence change replaces glutamine, which is neutral and polar, with arginine, which is basic and polar, at codon 2012 of the NEB protein (p.Gln2012Arg). This variant is not present in population databases (gnomAD no frequency). This variant has not been reported in the literature in individuals affected with NEB-related conditions. ClinVar contains an entry for this variant (Variation ID: 1352374). Algorithms developed to predict the effect of missense changes on protein structure and function are either unavailable or do not agree on the potential impact of this missense change (SIFT: "Deleterious"; PolyPhen-2: "Not Available"; Align-GVGD: "Class C0"). In summary, the available evidence is currently insufficient to determine the role of this variant in disease. Therefore, it has been classified as a Variant of Uncertain Significance.

NM_001164508.2(NEB):c.6035A>G (p.Gln2012Arg)

Gene: NEB (nebulin; minus strand). Cytogenetic location: 2q23.3.
Variant type: single nucleotide variant.
Coding change: c.6035A>G on transcript NM_001164508.2 (MANE Select); coding-DNA position 6035, A replaced by G.
Protein change: p.Gln2012Arg; replaces glutamine 2012 with arginine.
Molecular consequence: missense variant.
Genome position (GRCh38, 1-based): chr2:151,659,105, T>C on the plus strand (A>G on the coding strand, the complement: NEB is on the minus strand). VCF-style: chr2-151659105-T-C. GRCh37 (hg19) VCF-style: chr2-152515619-T-C.
Other names: c.6035A>G, p.Gln2012Arg (NM_001164507.2, NM_001271208.2, NM_004543.5); short protein forms Q2012R.
Identifiers: ClinVar variation 1352374 (VCV001352374.6), dbSNP rs2154157733, ClinGen allele CA348803032.
Genomic context (GRCh38, chr2:151,659,105, plus strand): 5'-ACAGGGGGAACTATACTTACATCACTCATATTAATTGCATTTGCCTTTGCCAAAATAATC[T>C]GGGGGATATCAGGCATGATGTGGACTTTGGTTTTGTCAGCCTCCCATGCTTGTTTGTAGA-3'
Protein context (NP_001157980.2, residues 2002-2022): TKVHIMPDIP[Gln2012Arg]IILAKANAIN